The following is an entry in ClinVar:

ClinVar aggregate classification (germline): Pathogenic/Likely pathogenic. Review status: criteria provided, multiple submitters, no conflicts (2 of 4 stars). 2 submissions from 2 submitters: Pathogenic (1); Likely pathogenic (1). Last evaluated 2022-05-04.

Submissions (2):

GeneDx
Classification: Likely pathogenic. Last evaluated: 2022-05-04. Review status: criteria provided, single submitter. Criteria: GeneDx Variant Classification Process June 2021. Collection method: clinical testing. Allele origin: germline. Affected: yes.
Comment: Frameshift variant predicted to result in protein truncation or nonsense mediated decay in a gene for which loss of function is a known mechanism of disease; Not observed at significant frequency in large population cohorts (gnomAD); Has not been previously published as pathogenic or benign to our knowledge

Labcorp Genetics (formerly Invitae), Labcorp
Classification: Pathogenic. Last evaluated: 2021-11-05. Review status: criteria provided, single submitter. Criteria: Invitae Variant Classification Sherloc (09022015). Collection method: clinical testing. Allele origin: germline.
Comment: ClinVar contains an entry for this variant (Variation ID: 423708). For these reasons, this variant has been classified as Pathogenic. This variant has not been reported in the literature in individuals affected with TSFM-related conditions. This variant is present in population databases (no rsID available, gnomAD 0.007%). This sequence change creates a premature translational stop signal (p.Ala13Glyfs*113) in the TSFM gene. It is expected to result in an absent or disrupted protein product. Loss-of-function variants in TSFM are known to be pathogenic (PMID: 17033963, 20435138, 25037205, 27677415).

Literature cited by the submitters: PubMed 17033963 (cited by Labcorp Genetics (formerly Invitae), Labcorp); PubMed 20435138 (cited by Labcorp Genetics (formerly Invitae), Labcorp); PubMed 25037205 (cited by Labcorp Genetics (formerly Invitae), Labcorp); PubMed 27677415 (cited by Labcorp Genetics (formerly Invitae), Labcorp).

NM_005726.6(TSFM):c.34_37dup (p.Ala13fs)

Gene: TSFM (Ts translation elongation factor, mitochondrial; plus strand). Cytogenetic location: 12q14.1.
Variant type: Duplication.
Coding change: c.34_37dup on transcript NM_005726.6 (MANE Select); coding-DNA positions 34 to 37, 4 bases duplicated (GTCG; older notation c.34_37dupGTCG).
Protein change: p.Ala13fs; shifts the reading frame from alanine 13.
Molecular consequence: frameshift variant.
Genome position (GRCh38, 1-based): chr12:57,782,835-57,782,838, GTCG duplicated; duplicating any 4 consecutive bases within chr12:57,782,834-57,782,838 gives the same sequence; the c. name uses the placement nearest the transcript's 3' end. VCF-style (leftmost placement, unchanged base first): chr12-57782833-T-TGGTC. GRCh37 (hg19) VCF-style: chr12-58176616-T-TGGTC.
Other names: c.34_37dupGTCG (NM_001172696.1); c.34_37dup, p.Ala13fs (NM_001172695.2, NM_001172696.2, NM_001172697.2); short protein forms A13fs.
Identifiers: ClinVar variation 423708 (VCV000423708.9), dbSNP rs1458612288, ClinGen allele CA16619579.